The following is an entry in ClinVar:

ClinVar aggregate classification (germline): Pathogenic (1 of 4 stars; one submission).

Conditions:
Familial hemophagocytic lymphohistiocytosis 3 (FHL3). Also called: UNC13D-Related Familial Hemophagocytic Lymphohistiocytosis (UNC13D-fHLH). Identifiers: Orphanet 540, MedGen C1837174, MONDO:0012146, OMIM 608898.

Submission:

Labcorp Genetics (formerly Invitae), Labcorp
Classification: Pathogenic for Familial hemophagocytic lymphohistiocytosis 3. Last evaluated: 2025-10-14. Review status: criteria provided, single submitter. Criteria: Invitae Variant Classification Sherloc (09022015). Collection method: clinical testing. Allele origin: germline.
Comment: This sequence change creates a premature translational stop signal (p.Met204Valfs*27) in the UNC13D gene. It is expected to result in an absent or disrupted protein product. Loss-of-function variants in UNC13D are known to be pathogenic (PMID: 14622600). This variant is not present in population databases (gnomAD no frequency). This variant has not been reported in the literature in individuals affected with UNC13D-related conditions. For these reasons, this variant has been classified as Pathogenic.

Literature cited by the submitters: PubMed 14622600.

NM_199242.3(UNC13D):c.610_611del (p.Met204fs)

Gene: UNC13D (unc-13 homolog D; minus strand). Cytogenetic location: 17q25.1.
Variant type: Deletion.
Coding change: c.610_611del on transcript NM_199242.3 (MANE Select); coding-DNA positions 610 to 611, 2 bases deleted (AT; older notation c.610_611delAT).
Protein change: p.Met204fs; shifts the reading frame from methionine 204.
Molecular consequence: frameshift variant.
Genome position (GRCh38, 1-based): chr17:75,840,960-75,840,961, AT deleted on the plus strand (AT on the coding strand, the reverse complement: UNC13D is on the minus strand). VCF-style (leftmost placement, unchanged base first): chr17-75840959-CAT-C. GRCh37 (hg19) VCF-style: chr17-73837040-CAT-C.
Other names: short protein forms M204fs.
Identifiers: ClinVar variation 4729242 (VCV004729242.1).